The following is an entry in ClinVar:

ClinVar aggregate classification (germline): Likely benign (1 of 4 stars; one submission).

Allele frequency attached by ClinVar (database versions not stated): TOPMed 0.00828; gnomAD 0.00954 and 0.00943; 1000 Genomes Project 0.00719; 1000 Genomes Project 30x 0.00765; gnomAD exomes 0.01038.
gnomAD v4.1: 3,236 of 323,722 alleles (1%); highest among the groups gnomAD compares: Middle Eastern, 2%; 27 homozygotes.

Submission:

GeneDx
Classification: Likely benign. Last evaluated: 2018-06-19. Review status: criteria provided, single submitter. Criteria: GeneDx Variant Classification (06012015). Collection method: clinical testing. Allele origin: germline. Affected: yes.
Comment: This variant is considered likely benign or benign based on one or more of the following criteria: it is a conservative change, it occurs at a poorly conserved position in the protein, it is predicted to be benign by multiple in silico algorithms, and/or has population frequency not consistent with disease.

NM_001365088.1(SLC12A6):c.-73+250A>G

Gene: SLC12A6 (solute carrier family 12 member 6; minus strand). Cytogenetic location: 15q14.
Variant type: single nucleotide variant.
Coding change: c.-73+250A>G on transcript NM_001365088.1 (MANE Select); 250 bases into the intron after 73 bases upstream of the start codon, A replaced by G.
Molecular consequence: intron variant.
Genome position (GRCh38, 1-based): chr15:34,337,082, T>C on the plus strand (A>G on the coding strand, the complement: SLC12A6 is on the minus strand). VCF-style: chr15-34337082-T-C. GRCh37 (hg19) VCF-style: chr15-34629283-T-C.
Other names: c.-98-481A>G (NM_001042495.2); c.-99+250A>G (NM_001042494.2); c.-15+250A>G (NM_001042496.2).
Identifiers: ClinVar variation 674090 (VCV000674090.3), dbSNP rs141533243, ClinGen allele CA268642262.